The following is an entry in ClinVar:

ClinVar aggregate classification (germline): Likely benign (1 of 4 stars; one submission).

Submission:

CeGaT Center for Human Genetics Tuebingen
Classification: Likely benign. Last evaluated: 2023-01-01. Review status: criteria provided, single submitter. Criteria: CeGaT Center For Human Genetics Tuebingen Variant Classification Criteria Version 2. Collection method: clinical testing. Allele origin: germline. Affected: yes. Observed: 1 variant allele.
Comment: DKK2: BS2

NC_000004.12:g.107308020G>A

Gene: DKK2 (dickkopf Wnt signaling pathway inhibitor 2; minus strand). Cytogenetic location: 4q25.
Variant type: single nucleotide variant.
Genome position: GRCh38 VCF-style: chr4-107308020-G-A. GRCh37 (hg19) VCF-style: chr4-108229177-G-A.
Identifiers: ClinVar variation 2655010 (VCV002655010.24), dbSNP rs1379062425, ClinGen allele CA440708199.